The following is an entry in ClinVar:

NM_006005.3(WFS1):c.862-185C>T

Gene: WFS1 (wolframin ER transmembrane glycoprotein; plus strand). Cytogenetic location: 4p16.1.
Variant type: single nucleotide variant.
Coding change: c.862-185C>T on transcript NM_006005.3 (MANE Select); 185 bases into the intron before coding-DNA position 862, C replaced by T.
Molecular consequence: intron variant.
Genome position (GRCh38, 1-based): chr4:6,300,472, C>T. VCF-style: chr4-6300472-C-T. GRCh37 (hg19) VCF-style: chr4-6302199-C-T.
Other names: c.862-185C>T (NM_001145853.1).
Identifiers: ClinVar variation 670301 (VCV000670301.2), dbSNP rs4689398, ClinGen allele CA11771074.

ClinVar aggregate classification (germline): Benign. Review status: criteria provided, multiple submitters, no conflicts (2 of 4 stars). 2 submissions from 2 submitters: Benign (2). Last evaluated 2018-06-14.

Conditions:
Wolfram syndrome 1 (WFS1). Identifiers: Orphanet 3463, MedGen C4551693, MONDO:0009101, OMIM 222300.

Allele frequency attached by ClinVar (database versions not stated): gnomAD 0.58804; TOPMed 0.59632; 1000 Genomes Project 30x 0.65381; 1000 Genomes Project 0.65615.
gnomAD v4.1: 89,358 of 151,462 alleles (59%); highest among the groups gnomAD compares: East Asian, 93%; 27,197 homozygotes.

Submissions (2):

GeneDx
Classification: Benign. Last evaluated: 2018-06-14. Review status: criteria provided, single submitter. Criteria: GeneDx Variant Classification (06012015). Collection method: clinical testing. Allele origin: germline. Affected: yes.
Comment: This variant is considered likely benign or benign based on one or more of the following criteria: it is a conservative change, it occurs at a poorly conserved position in the protein, it is predicted to be benign by multiple in silico algorithms, and/or has population frequency not consistent with disease.

Clinical Genomics, Uppaluri K&H Personalized Medicine Clinic
Classification: Benign for Wolfram syndrome 1. Review status: criteria provided, single submitter. Criteria: K & H Uppaluri Personalized Medicine Clinic Variant Classification & Assertion Criteria_Updated V.1. Collection method: research. Allele origin: unknown. Inheritance: Autosomal recessive inheritance.
Comment: Potent mutations in WFS1 gene are associated with Wolfram's syndrome, an autosomal recessive condition, which cause diabetes mellitus, diabetes insipidus, deafness and optic atrophy.However no sufficient evidence is found to ascertain the role of this particular variant rs4689398 in Wolfram's syndrome yet.

Literature cited by the submitters: PubMed 20738327 (cited by Clinical Genomics, Uppaluri K&H Personalized Medicine Clinic); PubMed 33879153 (cited by Clinical Genomics, Uppaluri K&H Personalized Medicine Clinic); PubMed 12955714 (cited by Clinical Genomics, Uppaluri K&H Personalized Medicine Clinic); PubMed 18060660 (cited by Clinical Genomics, Uppaluri K&H Personalized Medicine Clinic); PubMed 20301750 (cited by Clinical Genomics, Uppaluri K&H Personalized Medicine Clinic); PubMed 17603484 (cited by Clinical Genomics, Uppaluri K&H Personalized Medicine Clinic).